The following is an entry in ClinVar:

NM_018685.5(ANLN):c.65A>G (p.Lys22Arg)

Gene: ANLN (anillin, actin binding protein; plus strand). Cytogenetic location: 7p14.2.
Variant type: single nucleotide variant.
Coding change: c.65A>G on transcript NM_018685.5 (MANE Select); coding-DNA position 65, A replaced by G.
Protein change: p.Lys22Arg; replaces lysine 22 with arginine.
Molecular consequence: missense variant.
Genome position (GRCh38, 1-based): chr7:36,396,312, A>G. VCF-style: chr7-36396312-A-G. GRCh37 (hg19) VCF-style: chr7-36435921-A-G.
Other names: c.65A>G, p.Lys22Arg (NM_001284301.3, NM_001284302.3); short protein forms K22R.
Identifiers: ClinVar variation 1339108 (VCV001339108.2), dbSNP rs2116507412, ClinGen allele CA367202856.

ClinVar aggregate classification (germline): Uncertain significance (1 of 4 stars; one submission).

Conditions:
Focal segmental glomerulosclerosis 8 (FSGS8). Identifiers: Orphanet 656, MedGen C4014993, MONDO:0014462, OMIM 616032.

Submission:

Neuberg Centre For Genomic Medicine, NCGM
Classification: Uncertain significance for Focal segmental glomerulosclerosis 8. Review status: criteria provided, single submitter. Criteria: ACMG Guidelines, 2015. Collection method: clinical testing. Allele origin: germline. Affected: yes.
Comment: The missense variant p.K22R in ANLN (NM_018685.5) has not been reported previously as a pathogenic variant nor as a benign variant, to our knowledge. The p.K22R variant is novel (not in any individuals) in gnomAD Exomes and is novel (not in any individuals) in 1000 Genomes. The p.K22R missense variant is predicted to be damaging by both SIFT and PolyPhen2. The lysine residue at codon 22 of ANLN is conserved in all mammalian species. The nucleotide c.65 in ANLN is predicted conserved by GERP++ and PhyloP across 100 vertebrates. For these reasons, this variant has been classified as Uncertain Significance.